The following is an entry in ClinVar:

ClinVar aggregate classification (germline): Uncertain significance (1 of 4 stars; one submission).

Conditions:
Inborn genetic diseases. Identifiers: MedGen C0950123, MeSH D030342.

Submission:

Ambry Genetics
Classification: Uncertain significance for Inborn genetic diseases. Last evaluated: 2024-12-08. Review status: criteria provided, single submitter. Criteria: Ambry Variant Classification Scheme 2023. Collection method: clinical testing. Allele origin: germline.
Comment: The p.E91V variant (also known as c.272A>T), located in coding exon 2 of the MBD4 gene, results from an A to T substitution at nucleotide position 272. The glutamic acid at codon 91 is replaced by valine, an amino acid with dissimilar properties. This amino acid position is conserved. In addition, the in silico prediction for this alteration is inconclusive. Based on the available evidence, the clinical significance of this variant remains unclear.

NM_001276270.2(MBD4):c.272A>T (p.Glu91Val)

Gene: MBD4 (methyl-CpG binding domain 4, DNA glycosylase; minus strand). Cytogenetic location: 3q21.3.
Variant type: single nucleotide variant.
Coding change: c.272A>T on transcript NM_001276270.2 (MANE Select); coding-DNA position 272, A replaced by T.
Protein change: p.Glu91Val; replaces glutamic acid 91 with valine.
Molecular consequence: missense variant. On other transcripts: intron variant (1).
Genome position (GRCh38, 1-based): chr3:129,437,783, T>A on the plus strand (A>T on the coding strand, the complement: MBD4 is on the minus strand). VCF-style: chr3-129437783-T-A. GRCh37 (hg19) VCF-style: chr3-129156626-T-A.
Other names: c.272A>T, p.Glu91Val (NM_001276271.2, NM_001276272.2, NM_003925.3); c.247+25A>T (NM_001276273.2); short protein forms E91V.
Identifiers: ClinVar variation 3543804 (VCV003543804.1).